The following is an entry in ClinVar:

NM_001079802.2(FKTN):c.369+6T>G

Gene: FKTN (fukutin; plus strand). Cytogenetic location: 9q31.2.
Variant type: single nucleotide variant.
Coding change: c.369+6T>G on transcript NM_001079802.2 (MANE Select); 6 bases into the intron after coding-DNA position 369, T replaced by G.
Molecular consequence: intron variant.
Genome position (GRCh38, 1-based): chr9:105,601,354, T>G. VCF-style: chr9-105601354-T-G. GRCh37 (hg19) VCF-style: chr9-108363635-T-G.
Other names: c.369+6T>G (NM_006731.2, NM_001351496.2, NM_001198963.2 and 1 more transcripts); c.-146+6T>G (NM_001351502.2, NM_001351499.2, NM_001351500.2 and 1 more transcripts); c.300+6T>G (NM_001351497.2).
Identifiers: ClinVar variation 528828 (VCV000528828.8), dbSNP rs1554751423, ClinGen allele CA658797261.

ClinVar aggregate classification (germline): Uncertain significance (1 of 4 stars; one submission).

Conditions:
Walker-Warburg congenital muscular dystrophy. Also called: Muscular dystrophy-dystroglycanopathy, type A; Walker-Warburg syndrome. Identifiers: Orphanet 899, MedGen C0265221, MONDO:0000171.

gnomAD v4.1: 3 of 1,573,156 alleles (0.00019%); highest among the groups gnomAD compares: Non-Finnish European, 0.00026%; no homozygotes.

Submission:

Labcorp Genetics (formerly Invitae), Labcorp
Classification: Uncertain significance for Walker-Warburg congenital muscular dystrophy. Last evaluated: 2018-02-01. Review status: criteria provided, single submitter. Criteria: Invitae Variant Classification Sherloc (09022015). Collection method: clinical testing. Allele origin: germline.
Comment: In summary, the available evidence is currently insufficient to determine the role of this variant in disease. Therefore, it has been classified as a Variant of Uncertain Significance. Nucleotide substitutions within the consensus splice site are a relatively common cause of aberrant splicing (PMID: 17576681, 9536098). Algorithms developed to predict the effect of sequence changes on RNA splicing suggest that this variant is not likely to affect RNA splicing, but this prediction has not been confirmed by published transcriptional studies. This variant has not been reported in the literature in individuals with FKTN-related disease. This variant is not present in population databases (ExAC no frequency). This sequence change falls in intron 5 of the FKTN gene. It does not directly change the encoded amino acid sequence of the FKTN protein, but it affects a nucleotide within the consensus splice site of the intron.

Literature cited by the submitters: PubMed 17576681; PubMed 9536098.